The following is an entry in ClinVar:

ClinVar aggregate classification (germline): Likely benign. Review status: criteria provided, multiple submitters, no conflicts (2 of 4 stars). 6 submissions from 6 submitters: Likely benign (6). Last evaluated 2026-09-21.

Conditions:
Aortic aneurysm, familial thoracic 4 (AAT4). Also called: AORTIC ANEURYSM/AORTIC DISSECTION AND PATENT DUCTUS ARTERIOSUS. Identifiers: MedGen C1851504, MONDO:0007568, OMIM 132900.
Familial thoracic aortic aneurysm and aortic dissection (TAAD). Also called: Thoracic aortic aneurysms and dissections. Identifiers: Orphanet 91387, MedGen C4707243, MONDO:0019625.

Allele frequency attached by ClinVar (database versions not stated): ESP Exome Variant Server 0.00015; gnomAD 0.00009 and 0.00007; TOPMed 0.00011.
gnomAD v4.1: 27 of 1,613,898 alleles (0.0017%); highest among the groups gnomAD compares: African/African-American, 0.019%; no homozygotes.

Submissions (6):

Molecular Diagnostic Laboratory for Inherited Cardiovascular Disease, Montreal Heart Institute
Classification: Likely benign. Last evaluated: 2026-09-21. Review status: criteria provided, single submitter. Criteria: ACMG Guidelines, 2015. Collection method: clinical testing. Allele origin: germline. Affected: no.
Comment: BS1;BP7

Labcorp Genetics (formerly Invitae), Labcorp
Classification: Likely benign for Aortic aneurysm, familial thoracic 4. Last evaluated: 2026-01-22. Review status: criteria provided, single submitter. Criteria: Invitae Variant Classification Sherloc (09022015). Collection method: clinical testing. Allele origin: germline.

All of Us Research Program, National Institutes of Health
Classification: Likely benign for Familial thoracic aortic aneurysm and aortic dissection. Last evaluated: 2024-06-11. Review status: criteria provided, single submitter. Criteria: ACMG Guidelines, 2015. Collection method: clinical testing. Allele origin: germline. Inheritance: Autosomal dominant inheritance. Observed: 8 variant alleles, 8 heterozygotes.
Comment: This study involves interpretation of variants in research participants for the purpose of population health screening. Participant phenotype was not available at the time of variant classification. Additional details can be found in publication PMID: 35346344, PMCID: PMC8962531

Women's Health and Genetics/Laboratory Corporation of America, LabCorp
Classification: Likely benign. Last evaluated: 2024-01-22. Review status: criteria provided, single submitter. Criteria: LabCorp Variant Classification Summary - May 2015. Collection method: clinical testing. Allele origin: germline.

Color Diagnostics, LLC DBA Color Health
Classification: Likely benign for Familial thoracic aortic aneurysm and aortic dissection. Last evaluated: 2018-10-16. Review status: criteria provided, single submitter. Criteria: ACMG Guidelines, 2015. Collection method: clinical testing. Allele origin: germline.

Ambry Genetics
Classification: Likely benign for Familial thoracic aortic aneurysm and aortic dissection. Last evaluated: 2016-03-09. Review status: criteria provided, single submitter. Criteria: Ambry Variant Classification Scheme 2023. Collection method: clinical testing. Allele origin: germline.

NM_002474.3(MYH11):c.3204C>T (p.His1068=)

Gene: MYH11 (myosin heavy chain 11; minus strand). Cytogenetic location: 16p13.11.
Variant type: single nucleotide variant.
Coding change: c.3204C>T on transcript NM_002474.3 (MANE Select); coding-DNA position 3204, C replaced by T.
Protein change: p.His1068=; no amino-acid change (histidine 1068 retained).
Molecular consequence: synonymous variant.
Genome position (GRCh38, 1-based): chr16:15,737,538, G>A on the plus strand (C>T on the coding strand, the complement: MYH11 is on the minus strand). VCF-style: chr16-15737538-G-A. GRCh37 (hg19) VCF-style: chr16-15831395-G-A.
Other names: c.3225C>T, p.His1075= (NM_001040113.2, NM_001040114.2); c.3204C>T, p.His1068= (NM_022844.3).
Identifiers: ClinVar variation 519930 (VCV000519930.19), dbSNP rs140143700, ClinGen allele CA7922062.